The following is an entry in ClinVar:

NM_015425.6(POLR1A):c.610C>T (p.Arg204Cys)

Gene: POLR1A (RNA polymerase I subunit A; minus strand). Cytogenetic location: 2p11.2.
Variant type: single nucleotide variant.
Coding change: c.610C>T on transcript NM_015425.6 (MANE Select); coding-DNA position 610, C replaced by T.
Protein change: p.Arg204Cys; replaces arginine 204 with cysteine.
Molecular consequence: missense variant.
Genome position (GRCh38, 1-based): chr2:86,088,801, G>A on the plus strand (C>T on the coding strand, the complement: POLR1A is on the minus strand). VCF-style: chr2-86088801-G-A. GRCh37 (hg19) VCF-style: chr2-86315924-G-A.
Other names: short protein forms R204C.
Identifiers: ClinVar variation 4804434 (VCV004804434.1).

ClinVar aggregate classification (germline): Uncertain significance (1 of 4 stars; one submission).

gnomAD v4.1: 14 of 1,613,526 alleles (0.00087%); highest among the groups gnomAD compares: East Asian, 0.0067%; no homozygotes.

Submission:

Labcorp Genetics (formerly Invitae), Labcorp
Classification: Uncertain significance. Last evaluated: 2025-05-12. Review status: criteria provided, single submitter. Criteria: Invitae Variant Classification Sherloc (09022015). Collection method: clinical testing. Allele origin: germline.
Comment: This sequence change replaces arginine, which is basic and polar, with cysteine, which is neutral and slightly polar, at codon 204 of the POLR1A protein (p.Arg204Cys). This variant is present in population databases (rs777657219, gnomAD 0.006%). This variant has not been reported in the literature in individuals affected with POLR1A-related conditions. Invitae Evidence Modeling of protein sequence and biophysical properties (such as structural, functional, and spatial information, amino acid conservation, physicochemical variation, residue mobility, and thermodynamic stability) indicates that this missense variant is expected to disrupt POLR1A protein function with a positive predictive value of 80%. In summary, the available evidence is currently insufficient to determine the role of this variant in disease. Therefore, it has been classified as a Variant of Uncertain Significance.